The following is an entry in ClinVar:

ClinVar aggregate classification (germline): Likely benign. Review status: criteria provided, multiple submitters, no conflicts (2 of 4 stars). 2 submissions from 2 submitters: Likely benign (2). Last evaluated 2025-07-14.

Conditions:
Charcot-Marie-Tooth disease axonal type 2O. Also called: Charcot-Marie-Tooth disease, axonal, type 20; CHARCOT-MARIE-TOOTH NEUROPATHY, AXONAL, TYPE 2O; CHARCOT-MARIE-TOOTH DISEASE, AXONAL, AUTOSOMAL DOMINANT, TYPE 2O; Charcot-Marie-Tooth Neuropathy Type 2O. Identifiers: Orphanet 284232, MedGen C3280220, MONDO:0013644, OMIM 614228.
DYNC1H1-related disorder. Also called: DYNC1H1-related condition; DYNC1H1-related disorders. Identifiers: MedGen CN381529.

Allele frequency attached by ClinVar (database versions not stated): gnomAD exomes below 0.00001 and 0.00001; TOPMed below 0.00001; ExAC 0.00001.
gnomAD v4.1: 8 of 1,614,040 alleles (0.0005%); highest among the groups gnomAD compares: South Asian, 0.0011%; no homozygotes.

Submissions (2):

Labcorp Genetics (formerly Invitae), Labcorp
Classification: Likely benign for Charcot-Marie-Tooth disease axonal type 2O. Last evaluated: 2025-07-14. Review status: criteria provided, single submitter. Criteria: Invitae Variant Classification Sherloc (09022015). Collection method: clinical testing. Allele origin: germline.

PreventionGenetics, part of Exact Sciences
Classification: Likely benign for DYNC1H1-related condition. Last evaluated: 2025-06-04. Review status: criteria provided, single submitter. Criteria: ACMG Guidelines, 2015. Collection method: clinical testing. Allele origin: germline.
Comment: This variant is classified as likely benign based on ACMG/AMP sequence variant interpretation guidelines (Richards et al. 2015 PMID: 25741868, with internal and published modifications).

NM_001376.5(DYNC1H1):c.11418C>T (p.Thr3806=)

Gene: DYNC1H1 (dynein cytoplasmic 1 heavy chain 1; plus strand). Cytogenetic location: 14q32.31.
Variant type: single nucleotide variant.
Coding change: c.11418C>T on transcript NM_001376.5 (MANE Select); coding-DNA position 11418, C replaced by T.
Protein change: p.Thr3806=; no amino-acid change (threonine 3806 retained).
Molecular consequence: synonymous variant.
Genome position (GRCh38, 1-based): chr14:102,039,212, C>T. VCF-style: chr14-102039212-C-T. GRCh37 (hg19) VCF-style: chr14-102505549-C-T.
Other names: c.11418C>T (NM_001376.4).
Identifiers: ClinVar variation 1104990 (VCV001104990.10), dbSNP rs753103486, ClinGen allele CA7353585.
Genomic context (GRCh38, chr14:102,039,212, plus strand): 5'-GACGGACATTGTCATGCAGGAGGTGGAGACCGTGTCCCAGCAGTACCTCCCGCTCTCCAC[C>T]GCCTGCAGCAGCATCTACTTCACCATGGAGTCCCTCAAGCAGGTGGGTGCCTTGGCCATG-3'
Protein context (NP_001367.2, residues 3796-3816): TVSQQYLPLS[Thr3806=]ACSSIYFTME